The following is an entry in ClinVar:

NM_000535.7(PMS2):c.2084T>G (p.Ile695Ser)

Gene: PMS2 (PMS1 homolog 2, mismatch repair system component; minus strand). Cytogenetic location: 7p22.1.
Variant type: single nucleotide variant.
Coding change: c.2084T>G on transcript NM_000535.7 (MANE Select); coding-DNA position 2084, T replaced by G.
Protein change: p.Ile695Ser; replaces isoleucine 695 with serine.
Molecular consequence: missense variant. On other transcripts: non-coding transcript variant (1).
Genome position (GRCh38, 1-based): chr7:5,982,914, A>C on the plus strand (T>G on the coding strand, the complement: PMS2 is on the minus strand). VCF-style: chr7-5982914-A-C. GRCh37 (hg19) VCF-style: chr7-6022545-A-C.
Other names: c.1523T>G, p.Ile508Ser (NM_001406906.1, NM_001406907.1, NM_001322010.2); c.1511T>G, p.Ile504Ser (NM_001406909.1, NM_001322013.2); c.1313T>G, p.Ile438Ser (NM_001406911.1); c.881T>G, p.Ile294Ser (NM_001406912.1); c.1679T>G, p.Ile560Ser (NM_001018040.1, NM_001322003.2, NM_001322004.2 and 15 more transcripts); c.1928T>G, p.Ile643Ser (NM_001322006.2, NM_001406870.1); c.1766T>G, p.Ile589Ser (NM_001322007.2, NM_001322008.2, NM_001406876.1 and 1 more transcripts); c.1151T>G, p.Ile384Ser (NM_001322011.2, NM_001322012.2); and 13 more; short protein forms I583S, I589S, I695S, I703S, I508S, I524S, I592S, I629S.
Identifiers: ClinVar variation 1785620 (VCV001785620.2), dbSNP rs2535542336, ClinGen allele CA366738031.

ClinVar aggregate classification (germline): Uncertain significance (1 of 4 stars; one submission).

Conditions:
Hereditary cancer-predisposing syndrome. Also called: Neoplastic Syndromes, Hereditary; Tumor predisposition; Hereditary Cancer Syndrome; Hereditary neoplastic syndrome. Identifiers: Orphanet 140162, MedGen C0027672, MeSH D009386, MONDO:0015356.

Submission:

Ambry Genetics
Classification: Uncertain significance for Hereditary cancer-predisposing syndrome. Last evaluated: 2019-09-25. Review status: criteria provided, single submitter. Criteria: Ambry Variant Classification Scheme 2023. Collection method: clinical testing. Allele origin: germline.
Comment: The p.I695S variant (also known as c.2084T>G), located in coding exon 12 of the PMS2 gene, results from a T to G substitution at nucleotide position 2084. The isoleucine at codon 695 is replaced by serine, an amino acid with dissimilar properties. This amino acid position is poorly conserved in available vertebrate species. In addition, this alteration is predicted to be deleterious by in silico analysis. Since supporting evidence is limited at this time, the clinical significance of this alteration remains unclear.